The following is an entry in ClinVar:

ClinVar aggregate classification (germline): Uncertain significance (1 of 4 stars; one submission).

Conditions:
Primary ciliary dyskinesia 6. Also called: Primary Ciliary Dyskinesia 6: TXNDC3-Related Primary Ciliary Dyskinesia. Identifiers: Orphanet 244, MedGen C1970506, MONDO:0012571, OMIM 610852.

gnomAD v4.1: 1 of 1,565,170 alleles (0.000064%); highest among the groups gnomAD compares: Non-Finnish European, 0.000088%; no homozygotes.

Submission:

Labcorp Genetics (formerly Invitae), Labcorp
Classification: Uncertain significance for Primary ciliary dyskinesia 6. Last evaluated: 2025-11-19. Review status: criteria provided, single submitter. Criteria: Invitae Variant Classification Sherloc (09022015). Collection method: clinical testing. Allele origin: germline.
Comment: This sequence change falls in intron 9 of the NME8 gene. It does not directly change the encoded amino acid sequence of the NME8 protein. It affects a nucleotide within the consensus splice site. This variant is not present in population databases (gnomAD no frequency). This variant has not been reported in the literature in individuals affected with NME8-related conditions. Variants that disrupt the consensus splice site are a relatively common cause of aberrant splicing (PMID: 17576681, 9536098). Algorithms developed to predict the effect of sequence changes on RNA splicing suggest that this variant may disrupt the consensus splice site. In summary, the available evidence is currently insufficient to determine the role of this variant in disease. Therefore, it has been classified as a Variant of Uncertain Significance.

Literature cited by the submitters: PubMed 17576681; PubMed 9536098.

NM_016616.5(NME8):c.528+6T>C

Gene: NME8 (NME/NM23 family member 8; plus strand). Cytogenetic location: 7p14.1.
Variant type: single nucleotide variant.
Coding change: c.528+6T>C on transcript NM_016616.5 (MANE Select); 6 bases into the intron after coding-DNA position 528, T replaced by C.
Molecular consequence: intron variant.
Genome position (GRCh38, 1-based): chr7:37,864,427, T>C. VCF-style: chr7-37864427-T-C. GRCh37 (hg19) VCF-style: chr7-37904029-T-C.
Identifiers: ClinVar variation 4761796 (VCV004761796.1).